The following is an entry in ClinVar:

ClinVar aggregate classification (germline): Conflicting classifications of pathogenicity. Review status: criteria provided, conflicting classifications (1 of 4 stars). 2 submissions from 2 submitters: Uncertain significance (1); Likely benign (1). Last evaluated 2025-12-08.

Conditions:
Inborn genetic diseases. Identifiers: MedGen C0950123, MeSH D030342.

gnomAD v4.1: 5 of 1,613,762 alleles (0.00031%); highest among the groups gnomAD compares: Admixed American, 0.0033%; no homozygotes.

Submissions (2):

Ambry Genetics
Classification: Likely benign for Inborn genetic diseases. Last evaluated: 2025-12-08. Review status: criteria provided, single submitter. Criteria: Ambry Variant Classification Scheme 2023. Collection method: clinical testing. Allele origin: germline.

CeGaT Center for Human Genetics Tuebingen
Classification: Uncertain significance. Last evaluated: 2024-07-01. Review status: criteria provided, single submitter. Criteria: CeGaT Center For Human Genetics Tuebingen Variant Classification Criteria Version 2. Collection method: clinical testing. Allele origin: germline. Affected: yes. Observed: 1 variant allele.
Comment: INSR: PM2

NM_000208.4(INSR):c.3055T>C (p.Ser1019Pro)

Gene: INSR (insulin receptor; minus strand). Cytogenetic location: 19p13.2.
Variant type: single nucleotide variant.
Coding change: c.3055T>C on transcript NM_000208.4 (MANE Select); coding-DNA position 3055, T replaced by C.
Protein change: p.Ser1019Pro; replaces serine 1019 with proline.
Molecular consequence: missense variant.
Genome position (GRCh38, 1-based): chr19:7,125,486, A>G on the plus strand (T>C on the coding strand, the complement: INSR is on the minus strand). VCF-style: chr19-7125486-A-G. GRCh37 (hg19) VCF-style: chr19-7125497-A-G.
Other names: c.3019T>C, p.Ser1007Pro (NM_001079817.3); c.3055T>C (NM_000208.2); short protein forms S1007P, S1019P.
Identifiers: ClinVar variation 3341644 (VCV003341644.16).